The following is an entry in ClinVar:

NM_000143.4(FH):c.1476C>T (p.Leu492=)

Gene: FH (fumarate hydratase; minus strand). Cytogenetic location: 1q43.
Variant type: single nucleotide variant.
Coding change: c.1476C>T on transcript NM_000143.4 (MANE Select); coding-DNA position 1476, C replaced by T.
Protein change: p.Leu492=; no amino-acid change (leucine 492 retained).
Molecular consequence: synonymous variant.
Genome position (GRCh38, 1-based): chr1:241,497,885, G>A on the plus strand (C>T on the coding strand, the complement: FH is on the minus strand). VCF-style: chr1-241497885-G-A. GRCh37 (hg19) VCF-style: chr1-241661185-G-A.
Identifiers: ClinVar variation 3773350 (VCV003773350.1).
Genomic context (GRCh38, chr1:241,497,885, plus strand): 5'-AAATCACTTTGGACCCAGCATGTCCTTAGGTTTTACCCATTCGTCAAACTGCTCTGCTGT[G>A]AGATAGCCAAGTTCGATAGCAGTTTCCTTTAAGGTTGATCCATTTTTGTGTGCTGTCTTA-3'
Protein context (NP_000134.2, residues 482-502): LKETAIELGY[Leu492=]TAEQFDEWVK

ClinVar aggregate classification (germline): Benign (1 of 4 stars; one submission).

Conditions:
Hereditary leiomyomatosis and renal cell cancer. Also called: MULTIPLE CUTANEOUS AND UTERINE LEIOMYOMATA 1, WITH OR WITHOUT RENAL CELL CARCINOMA; LEIOMYOMA, MULTIPLE CUTANEOUS; FH tumor predisposition syndrome; Reed syndrome; Multiple cutaneous and uterine leiomyomatosis; Cutaneous leiomyomata with uterine leiomyomata. Identifiers: Orphanet 523, MedGen C1708350, MONDO:0007888, OMIM 150800, HP:0007437. Disease mechanism: loss of function.

Submission:

Myriad Genetics, Inc.
Classification: Benign for Hereditary leiomyomatosis and renal cell cancer. Last evaluated: 2024-10-22. Review status: criteria provided, single submitter. Criteria: Myriad Autosomal Dominant, Autosomal Recessive and X-Linked Classification Criteria (2023). Collection method: clinical testing. Allele origin: unknown.
Comment: This variant is considered benign. This variant is a silent/synonymous amino acid change and it is not expected to impact splicing.